The following is an entry in ClinVar:

NM_001256789.3(CACNA1F):c.3146G>T (p.Arg1049Leu)

Gene: CACNA1F (calcium voltage-gated channel subunit alpha1 F; minus strand). Cytogenetic location: Xp11.23.
Variant type: single nucleotide variant.
Coding change: c.3146G>T on transcript NM_001256789.3 (MANE Select); coding-DNA position 3146, G replaced by T.
Protein change: p.Arg1049Leu; replaces arginine 1049 with leucine.
Molecular consequence: missense variant.
Genome position (GRCh38, 1-based): chrX:49,216,472, C>A on the plus strand (G>T on the coding strand, the complement: CACNA1F is on the minus strand). VCF-style: chrX-49216472-C-A. GRCh37 (hg19) VCF-style: chrX-49072932-C-A.
Other names: c.2984G>T, p.Arg995Leu (NM_001256790.3); c.3179G>T, p.Arg1060Leu (NM_005183.4); c.3179G>T (NM_005183.3); short protein forms R1049L, R995L, R1060L.
Identifiers: ClinVar variation 1038781 (VCV001038781.10), dbSNP rs5906755, ClinGen allele CA412964054.

ClinVar aggregate classification (germline): Uncertain significance. Review status: criteria provided, multiple submitters, no conflicts (2 of 4 stars). 3 submissions from 3 submitters: Uncertain significance (3). Last evaluated 2025-07-20.

Conditions:
CACNA1F-related disorder. Also called: CACNA1F-related condition.

Allele frequency attached by ClinVar (database versions not stated): TOPMed 0.00001.
gnomAD v4.1: 37 of 1,206,676 alleles (0.0031%); highest among the groups gnomAD compares: Non-Finnish European, 0.0039%; no homozygotes.

Submissions (3):

PreventionGenetics, part of Exact Sciences
Classification: Uncertain significance for CACNA1F-related condition. Last evaluated: 2025-07-20. Review status: criteria provided, single submitter. Criteria: ACMG Guidelines, 2015. Collection method: clinical testing. Allele origin: germline.
Comment: The CACNA1F c.3179G>T variant is predicted to result in the amino acid substitution p.Arg1060Leu. To our knowledge, this variant has not been reported in the literature. An alternate substitution of this amino acid residue (p.Arg1060Trp) has been reported several times in individuals with retinal disease (see for example: Table S1, Karali et al. 2022. PubMed ID: 36460718). This variant is present in 0.0026% of alleles in individuals of European (Non-Finnish) descent in gnomAD; while there are no hemizygotes present in gnomAD v2, there are 11 hemizygotes in gnomAD v4 (available on on GRCh38). At this time, the clinical significance of this variant is uncertain due to the conflicting evidence.

Labcorp Genetics (formerly Invitae), Labcorp
Classification: Uncertain significance. Last evaluated: 2024-12-22. Review status: criteria provided, single submitter. Criteria: Invitae Variant Classification Sherloc (09022015). Collection method: clinical testing. Allele origin: germline.
Comment: This sequence change replaces arginine, which is basic and polar, with leucine, which is neutral and non-polar, at codon 1060 of the CACNA1F protein (p.Arg1060Leu). This variant is present in population databases (rs5906755, gnomAD 0.001%). This variant has not been reported in the literature in individuals affected with CACNA1F-related conditions. ClinVar contains an entry for this variant (Variation ID: 1038781). Invitae Evidence Modeling of protein sequence and biophysical properties (such as structural, functional, and spatial information, amino acid conservation, physicochemical variation, residue mobility, and thermodynamic stability) indicates that this missense variant is expected to disrupt CACNA1F protein function with a positive predictive value of 80%. In summary, the available evidence is currently insufficient to determine the role of this variant in disease. Therefore, it has been classified as a Variant of Uncertain Significance.

Blueprint Genetics
Classification: Uncertain significance. Last evaluated: 2024-01-08. Review status: criteria provided, single submitter. Criteria: ACMG Guidelines, 2015. Collection method: clinical testing. Allele origin: germline.